The following is an entry in ClinVar:

ClinVar aggregate classification (germline): Uncertain significance. Review status: criteria provided, multiple submitters, no conflicts (2 of 4 stars). 3 submissions from 3 submitters: Uncertain significance (3). Last evaluated 2025-08-10.

Allele frequency attached by ClinVar (database versions not stated): ExAC 0.00002.
gnomAD v4.1: 7 of 1,601,956 alleles (0.00044%); highest among the groups gnomAD compares: Non-Finnish European, 0.0006%; no homozygotes.

Submissions (3):

Ambry Genetics
Classification: Uncertain significance. Last evaluated: 2025-08-10. Review status: criteria provided, single submitter. Criteria: Ambry Variant Classification Scheme 2023. Collection method: clinical testing. Allele origin: germline.

Blueprint Genetics
Classification: Uncertain significance. Last evaluated: 2024-10-02. Review status: criteria provided, single submitter. Criteria: ACMG Guidelines, 2015. Collection method: clinical testing. Allele origin: germline.

Labcorp Genetics (formerly Invitae), Labcorp
Classification: Uncertain significance. Last evaluated: 2020-01-08. Review status: criteria provided, single submitter. Criteria: Invitae Variant Classification Sherloc (09022015). Collection method: clinical testing. Allele origin: germline.
Comment: Algorithms developed to predict the effect of missense changes on protein structure and function are either unavailable or do not agree on the potential impact of this missense change (SIFT: "Tolerated"; PolyPhen-2: "Possibly Damaging"; Align-GVGD: "Class C0"). In summary, the available evidence is currently insufficient to determine the role of this variant in disease. Therefore, it has been classified as a Variant of Uncertain Significance. This variant has not been reported in the literature in individuals with SAMD11-related conditions. This variant is present in population databases (rs756009832, ExAC 0.003%). This sequence change replaces leucine with valine at codon 255 of the SAMD11 protein (p.Leu255Val). The leucine residue is moderately conserved and there is a small physicochemical difference between leucine and valine.

NM_001385641.1(SAMD11):c.1252C>G (p.Leu418Val)

Gene: SAMD11 (sterile alpha motif domain containing 11; plus strand). Cytogenetic location: 1p36.33.
Variant type: single nucleotide variant.
Coding change: c.1252C>G on transcript NM_001385641.1 (MANE Select); coding-DNA position 1252, C replaced by G.
Protein change: p.Leu418Val; replaces leucine 418 with valine.
Molecular consequence: missense variant.
Genome position (GRCh38, 1-based): chr1:941,200, C>G. VCF-style: chr1-941200-C-G. GRCh37 (hg19) VCF-style: chr1-876580-C-G.
Other names: c.1255C>G, p.Leu419Val (NM_001385640.1); c.763C>G, p.Leu255Val (NM_152486.4); short protein forms L255V, L418V, L419V.
Identifiers: ClinVar variation 935894 (VCV000935894.12), dbSNP rs756009832, ClinGen allele CA502797.